The following is an entry in ClinVar:

ClinVar aggregate classification (germline): Benign. Review status: criteria provided, multiple submitters, no conflicts (2 of 4 stars). 2 submissions from 2 submitters: Benign (2). Last evaluated 2024-01-24.

Submissions (2):

Unidad de Genómica Garrahan, Hospital de Pediatría Garrahan
Classification: Benign. Last evaluated: 2024-01-24. Review status: criteria provided, single submitter. Criteria: ACMG Guidelines, 2015. Collection method: clinical testing. Allele origin: germline. Affected: no. Observed: 45 variant alleles.
Comment: This variant is classified as Benign based on local population frequency. This variant was detected in 51% of patients studied by a panel of primary immunodeficiencies. Number of patients: 45. Only high quality variants are reported.

GeneDx
Classification: Benign. Last evaluated: 2021-06-19. Review status: criteria provided, single submitter. Criteria: GeneDx Variant Classification Process June 2021. Collection method: clinical testing. Allele origin: germline. Affected: yes.

NM_016292.3(TRAP1):c.2014-52del

Genes: DNASE1 (deoxyribonuclease 1; plus strand), TRAP1 (TNF receptor associated protein 1; minus strand). Cytogenetic location: 16p13.3.
Variant type: Deletion.
Coding change: c.2014-52del on transcript NM_016292.3 (MANE Select); 52 bases into the intron before coding-DNA position 2014, one base deleted (A; older notation c.2014-52delA).
Molecular consequence: intron variant.
Genome position (GRCh38, 1-based): chr16:3,658,282, T deleted on the plus strand (A on the coding strand, the reverse complement: TRAP1 is on the minus strand); the first of 13 consecutive T bases (chr16:3,658,282-3,658,294); deleting any one gives the same sequence. VCF-style (leftmost placement, unchanged base first): chr16-3658281-AT-A. GRCh37 (hg19) VCF-style: chr16-3708282-AT-A.
Other names: c.*21+427del (NM_001387140.1); c.1855-52del (NM_001272049.2).
Identifiers: ClinVar variation 1259645 (VCV001259645.6), dbSNP rs35081909, ClinGen allele CA7867665.